The following is an entry in ClinVar:

NM_018896.5(CACNA1G):c.3207C>A (p.Thr1069=)

Gene: CACNA1G (calcium voltage-gated channel subunit alpha1 G; plus strand). Cytogenetic location: 17q21.33.
Variant type: single nucleotide variant.
Coding change: c.3207C>A on transcript NM_018896.5 (MANE Select); coding-DNA position 3207, C replaced by A.
Protein change: p.Thr1069=; no amino-acid change (threonine 1069 retained).
Molecular consequence: synonymous variant. On other transcripts: non-coding transcript variant (5).
Genome position (GRCh38, 1-based): chr17:50,596,872, C>A. VCF-style: chr17-50596872-C-A. GRCh37 (hg19) VCF-style: chr17-48674233-C-A.
Other names: c.3207C>A, p.Thr1069= (NM_001256324.2, NM_001256325.2, NM_001256326.2 and 16 more transcripts); c.3138C>A, p.Thr1046= (NM_001256332.2, NM_198376.3, NM_198379.3 and 5 more transcripts).
Identifiers: ClinVar variation 2647910 (VCV002647910.24), dbSNP rs1245753726, ClinGen allele CA500872782.

ClinVar aggregate classification (germline): Likely benign (1 of 4 stars; one submission).

Submission:

CeGaT Center for Human Genetics Tuebingen
Classification: Likely benign. Last evaluated: 2023-08-01. Review status: criteria provided, single submitter. Criteria: CeGaT Center For Human Genetics Tuebingen Variant Classification Criteria Version 2. Collection method: clinical testing. Allele origin: germline. Affected: yes. Observed: 1 variant allele.
Comment: CACNA1G: PM2:Supporting, BP4, BP7